The following is an entry in ClinVar:

NM_001130987.2(DYSF):c.6205_6206del (p.Ser2069fs)

Gene: DYSF (dysferlin; plus strand). Cytogenetic location: 2p13.2.
Variant type: Deletion.
Coding change: c.6205_6206del on transcript NM_001130987.2 (MANE Select); coding-DNA positions 6205 to 6206, 2 bases deleted (TC; older notation c.6205_6206delTC).
Protein change: p.Ser2069fs; shifts the reading frame from serine 2069.
Molecular consequence: frameshift variant.
Genome position (GRCh38, 1-based): chr2:71,682,561-71,682,562, TC deleted; deleting any 2 consecutive bases within chr2:71,682,560-71,682,562 gives the same sequence; the c. name uses the placement nearest the transcript's 3' end. VCF-style (leftmost placement, unchanged base first): chr2-71682559-CCT-C. GRCh37 (hg19) VCF-style: chr2-71909689-CCT-C.
Other names: c.6154_6155del, p.Ser2052fs (NM_001130983.2); c.6112_6113del, p.Ser2038fs (NM_001130984.2); c.6142_6143del, p.Ser2048fs (NM_001130985.2); c.6049_6050del, p.Ser2017fs (NM_001130986.2); c.6088_6089del, p.Ser2030fs (NM_003494.4); c.6091_6092del, p.Ser2031fs (NM_001130455.2); c.6046_6047del, p.Ser2016fs (NM_001130976.2); c.6109_6110del, p.Ser2037fs (NM_001130977.2); and 5 more; short protein forms S2047fs, S2052fs, S2068fs, S2016fs, S2038fs, S2048fs, S2017fs, S2051fs.
Identifiers: ClinVar variation 3728455 (VCV003728455.2).

ClinVar aggregate classification (germline): Pathogenic (1 of 4 stars; one submission).

Conditions:
Neuromuscular disease caused by qualitative or quantitative defects of dysferlin. Also called: Dysferlinopathy; Qualitative or quantitative defects of dysferlin. Identifiers: Orphanet 207073, MedGen C2931687, MONDO:0016145.

Submission:

Labcorp Genetics (formerly Invitae), Labcorp
Classification: Pathogenic for Neuromuscular disease caused by qualitative or quantitative defects of dysferlin. Last evaluated: 2025-01-02. Review status: criteria provided, single submitter. Criteria: Invitae Variant Classification Sherloc (09022015). Collection method: clinical testing. Allele origin: germline.
Comment: This sequence change results in a frameshift in the DYSF gene (p.Ser2030Profs*?). While this is not anticipated to result in nonsense mediated decay, it is expected to disrupt the last 51 amino acid(s) of the DYSF protein and extend the protein by an uncertain number of additional amino acid residues. This variant is not present in population databases (gnomAD no frequency). This variant has not been reported in the literature in individuals affected with DYSF-related conditions. This variant disrupts a region of the DYSF protein in which other variant(s) (p.Met2073Val) have been determined to be pathogenic (PMID: 17129727). This suggests that this is a clinically significant region of the protein, and that variants that disrupt it are likely to be disease-causing. For these reasons, this variant has been classified as Pathogenic.

Literature cited by the submitters: PubMed 17129727.